The following is an entry in ClinVar:

NM_005431.2(XRCC2):c.377T>G (p.Leu126Ter)

Gene: XRCC2 (X-ray repair cross complementing 2; minus strand). Cytogenetic location: 7q36.1.
Variant type: single nucleotide variant.
Coding change: c.377T>G on transcript NM_005431.2 (MANE Select); coding-DNA position 377, T replaced by G.
Protein change: p.Leu126Ter; replaces leucine 126 with a stop codon.
Molecular consequence: nonsense.
Genome position (GRCh38, 1-based): chr7:152,649,108, A>C on the plus strand (T>G on the coding strand, the complement: XRCC2 is on the minus strand). VCF-style: chr7-152649108-A-C. GRCh37 (hg19) VCF-style: chr7-152346193-A-C.
Other names: short protein forms L126*.
Identifiers: ClinVar variation 1734845 (VCV001734845.3), dbSNP rs1064794088, ClinGen allele CA370198828.

ClinVar aggregate classification (germline): Likely pathogenic. Review status: criteria provided, multiple submitters, no conflicts (2 of 4 stars). 2 submissions from 2 submitters: Likely pathogenic (2). Last evaluated 2022-12-03.

Conditions:
Hereditary cancer-predisposing syndrome. Also called: Neoplastic Syndromes, Hereditary; Tumor predisposition; Hereditary Cancer Syndrome; Hereditary neoplastic syndrome. Identifiers: Orphanet 140162, MedGen C0027672, MeSH D009386, MONDO:0015356.

gnomAD v4.1: 1 of 1,614,180 alleles (0.000062%); highest among the groups gnomAD compares: African/African-American, 0.0013%; no homozygotes.

Submissions (2):

Quest Diagnostics Nichols Institute San Juan Capistrano
Classification: Likely pathogenic. Last evaluated: 2022-12-03. Review status: criteria provided, single submitter. Criteria: Quest Diagnostics criteria. Collection method: clinical testing. Allele origin: unknown.
Comment: This nonsense variant is predicted to cause the premature termination of XRCC2 protein synthesis. The variant has not been reported in individuals with XRCC2-related diseases in the published literature. It also has not been reported in large, multi-ethnic general populations. Based on the available information, this variant is classified as likely pathogenic.

Ambry Genetics
Classification: Likely pathogenic for Hereditary cancer-predisposing syndrome. Last evaluated: 2020-11-13. Review status: criteria provided, single submitter. Criteria: Ambry Variant Classification Scheme 2023. Collection method: clinical testing. Allele origin: germline.
Comment: The p.L126* variant (also known as c.377T>G), located in coding exon 3 of the XRCC2 gene, results from a T to G substitution at nucleotide position 377. This changes the amino acid from a leucine to a stop codon within coding exon 3. This alteration occurs at the 3' terminus of theXRCC2 gene, is not expected to trigger nonsense-mediated mRNA decay, and impacts the last 156 amino acids of the protein. In addition, the p.L126* alteration has been detected in 1/1824 patients with triple negative breast cancer who were unselected for a family history of breast or ovarian cancer (Couch FJ et al. J Clin Oncol, 2015 Feb;33:304-11). Based on the majority of available evidence to date, this variant is likely to be pathogenic.

Literature cited by the submitters: PubMed 25452441 (cited by Ambry Genetics).